The following is an entry in ClinVar:

ClinVar aggregate classification (germline): Uncertain significance (1 of 4 stars; one submission).

Conditions:
Hereditary cancer-predisposing syndrome. Also called: Neoplastic Syndromes, Hereditary; Hereditary Cancer Syndrome; Tumor predisposition; Hereditary neoplastic syndrome. Identifiers: Orphanet 140162, MedGen C0027672, MeSH D009386, MONDO:0015356.

Submission:

Ambry Genetics
Classification: Uncertain significance for Hereditary cancer-predisposing syndrome. Last evaluated: 2025-01-13. Review status: criteria provided, single submitter. Criteria: Ambry Variant Classification Scheme 2023. Collection method: clinical testing. Allele origin: germline.
Comment: The p.E179Q variant (also known as c.535G>C), located in coding exon 6 of the POLE gene, results from a G to C substitution at nucleotide position 535. The glutamic acid at codon 179 is replaced by glutamine, an amino acid with highly similar properties. This amino acid position is conserved. In addition, this alteration is predicted to be tolerated by in silico analysis. Based on the available evidence, the clinical significance of this variant remains unclear.

NM_006231.4(POLE):c.535G>C (p.Glu179Gln)

Gene: POLE (DNA polymerase epsilon, catalytic subunit; minus strand). Cytogenetic location: 12q24.33.
Variant type: single nucleotide variant.
Coding change: c.535G>C on transcript NM_006231.4 (MANE Select); coding-DNA position 535, G replaced by C.
Protein change: p.Glu179Gln; replaces glutamic acid 179 with glutamine.
Molecular consequence: missense variant.
Genome position (GRCh38, 1-based): chr12:132,679,540, C>G on the plus strand (G>C on the coding strand, the complement: POLE is on the minus strand). VCF-style: chr12-132679540-C-G. GRCh37 (hg19) VCF-style: chr12-133256126-C-G.
Other names: short protein forms E179Q.
Identifiers: ClinVar variation 3781558 (VCV003781558.1).